The following is an entry in ClinVar:

ClinVar aggregate classification (germline): Conflicting classifications of pathogenicity. Review status: criteria provided, conflicting classifications (1 of 4 stars). 5 submissions from 5 submitters: Likely pathogenic (1); Uncertain significance (3). 1 of the submissions does not count toward it. Last evaluated 2025-05-23.

Conditions:
Inborn genetic diseases. Identifiers: MedGen C0950123, MeSH D030342.
Deficiency of butyryl-CoA dehydrogenase (ACADSD). Also called: ACADS DEFICIENCY; SCAD Deficiency; SCADH DEFICIENCY; Short-Chain Acyl-CoA Dehydrogenase Deficiency; SCAD DEFICIENCY, MILD; ACYL-CoA DEHYDROGENASE, SHORT-CHAIN, DEFICIENCY OF. Identifiers: Orphanet 26792, MedGen C0342783, MONDO:0008722, OMIM 201470. Disease mechanism: May be benign.

Allele frequency attached by ClinVar (database versions not stated): ExAC 0.00004; TOPMed 0.00007; 1000 Genomes Project 30x 0.00047; 1000 Genomes Project 0.00060.
gnomAD v4.1: 51 of 1,613,020 alleles (0.0032%); highest among the groups gnomAD compares: Admixed American, 0.06%; 2 homozygotes.

Submissions (5):

Labcorp Genetics (formerly Invitae), Labcorp
Classification: Uncertain significance for Deficiency of butyryl-CoA dehydrogenase. Last evaluated: 2025-05-23. Review status: criteria provided, single submitter. Criteria: Invitae Variant Classification Sherloc (09022015). Collection method: clinical testing. Allele origin: germline.
Comment: This sequence change replaces alanine, which is neutral and non-polar, with serine, which is neutral and polar, at codon 385 of the ACADS protein (p.Ala385Ser). This variant is present in population databases (rs202124189, gnomAD 0.01%). This missense change has been observed in individuals with biochemical features of short-chain acyl-coenzyme A dehydrogenase deficiency (internal data). ClinVar contains an entry for this variant (Variation ID: 379779). Invitae Evidence Modeling of protein sequence and biophysical properties (such as structural, functional, and spatial information, amino acid conservation, physicochemical variation, residue mobility, and thermodynamic stability) has been performed for this missense variant. However, the output from this modeling did not meet the statistical confidence thresholds required to predict the impact of this variant on ACADS protein function. This variant disrupts the p.Ala385 amino acid residue in ACADS. Other variant(s) that disrupt this residue have been observed in individuals with ACADS-related conditions (internal data), which suggests that this may be a clinically significant amino acid residue. In summary, the available evidence is currently insufficient to determine the role of this variant in disease. Therefore, it has been classified as a Variant of Uncertain Significance.

Ambry Genetics
Classification: Uncertain significance for Inborn genetic diseases. Last evaluated: 2024-02-27. Review status: criteria provided, single submitter. Criteria: Ambry Variant Classification Scheme 2023. Collection method: clinical testing. Allele origin: germline.
Comment: The c.1153G>T (p.A385S) alteration is located in exon 10 (coding exon 10) of the ACADS gene. This alteration results from a G to T substitution at nucleotide position 1153, causing the alanine (A) at amino acid position 385 to be replaced by a serine (S). Based on data from gnomAD, the T allele has an overall frequency of 0.002% (5/248180) total alleles studied. This amino acid position is highly conserved in available vertebrate species. This alteration is predicted to be deleterious by in silico analysis. Based on insufficient or conflicting evidence, the clinical significance of this alteration remains unclear.

GeneDx
Classification: Uncertain significance. Last evaluated: 2023-03-02. Review status: criteria provided, single submitter. Criteria: GeneDx Variant Classification Process June 2021. Collection method: clinical testing. Allele origin: germline. Affected: yes.
Comment: Not observed at significant frequency in large population cohorts (gnomAD); In silico analysis supports that this missense variant has a deleterious effect on protein structure/function; This variant is associated with the following publications: (PMID: 32778825, 22241096)

Genome-Nilou Lab
Classification: Likely pathogenic for Deficiency of butyryl-CoA dehydrogenase. Last evaluated: 2021-11-07. Review status: criteria provided, single submitter. Criteria: ACMG Guidelines, 2015. Collection method: clinical testing. Allele origin: germline. Affected: no.

Counsyl
Classification: Uncertain significance for Deficiency of butyryl-CoA dehydrogenase. Last evaluated: 2017-05-02. Review status: no assertion criteria provided. Collection method: clinical testing. Allele origin: unknown. Not counted in ClinVar's aggregate classification.

Literature cited by the submitters: PubMed 22241096 (cited by Ambry Genetics and Counsyl).

NM_000017.4(ACADS):c.1153G>T (p.Ala385Ser)

Gene: ACADS (acyl-CoA dehydrogenase short chain; plus strand). Cytogenetic location: 12q24.31.
Variant type: single nucleotide variant.
Coding change: c.1153G>T on transcript NM_000017.4 (MANE Select); coding-DNA position 1153, G replaced by T.
Protein change: p.Ala385Ser; replaces alanine 385 with serine.
Molecular consequence: missense variant.
Genome position (GRCh38, 1-based): chr12:120,739,362, G>T. VCF-style: chr12-120739362-G-T. GRCh37 (hg19) VCF-style: chr12-121177165-G-T.
Other names: c.1141G>T, p.Ala381Ser (NM_001302554.2); short protein forms A385S, A381S.
Identifiers: ClinVar variation 379779 (VCV000379779.18), dbSNP rs202124189, ClinGen allele CA6831230.
Genomic context (GRCh38, chr12:120,739,362, plus strand): 5'-CAGATCCTGGGCGGCATGGGCTACGTGACAGAGATGCCGGCAGAGCGGCACTACCGCGAC[G>T]CCCGCATCACTGAGATCTACGAGGGCACCAGCGAAATCCAGCGGCTGGTGATCGCCGGGC-3'
Protein context (NP_000008.1, residues 375-395): EMPAERHYRD[Ala385Ser]RITEIYEGTS